The following is an entry in ClinVar:

ClinVar aggregate classification (germline): Uncertain significance (1 of 4 stars; one submission).

Conditions:
Developmental and epileptic encephalopathy. Identifiers: MedGen C5779964, MONDO:0100620.

Allele frequency attached by ClinVar (database versions not stated): gnomAD exomes below 0.00001.
gnomAD v4.1: 1 of 1,611,768 alleles (0.000062%); highest among the groups gnomAD compares: Admixed American, 0.0017%; no homozygotes.

Submission:

Labcorp Genetics (formerly Invitae), Labcorp
Classification: Uncertain significance for Early-infantile DEE. Last evaluated: 2021-04-02. Review status: criteria provided, single submitter. Criteria: Invitae Variant Classification Sherloc (09022015). Collection method: clinical testing. Allele origin: germline.
Comment: This sequence change falls in intron 35 of the CACNA2D2 gene. It does not directly change the encoded amino acid sequence of the CACNA2D2 protein. It affects a nucleotide within the consensus splice site of the intron. This variant is not present in population databases (ExAC no frequency). This variant has not been reported in the literature in individuals with CACNA2D2-related conditions. Nucleotide substitutions within the consensus splice site are a relatively common cause of aberrant splicing (PMID: 17576681, 9536098). Algorithms developed to predict the effect of sequence changes on RNA splicing suggest that this variant may create or strengthen a splice site, but this prediction has not been confirmed by published transcriptional studies. In summary, the available evidence is currently insufficient to determine the role of this variant in disease. Therefore, it has been classified as a Variant of Uncertain Significance.

Literature cited by the submitters: PubMed 17576681; PubMed 9536098.

NM_006030.4(CACNA2D2):c.3099-3C>T

Genes: CACNA2D2 (calcium voltage-gated channel auxiliary subunit alpha2delta 2; minus strand), LOC127898564 (CYB561D2-LOC101928965; plus strand). Cytogenetic location: 3p21.31.
Variant type: single nucleotide variant.
Coding change: c.3099-3C>T on transcript NM_006030.4 (MANE Select); 3 bases into the intron before coding-DNA position 3099, C replaced by T.
Molecular consequence: intron variant.
Genome position (GRCh38, 1-based): chr3:50,365,187, G>A on the plus strand (C>T on the coding strand, the complement: CACNA2D2 is on the minus strand). VCF-style: chr3-50365187-G-A. GRCh37 (hg19) VCF-style: chr3-50402618-G-A.
Other names: c.2892-3C>T (NM_001291101.1); c.3099-3C>T (NM_001005505.3); c.3120-3C>T (NM_001174051.3).
Identifiers: ClinVar variation 1383998 (VCV001383998.4), dbSNP rs1393653379, ClinGen allele CA543054084.
Genomic context (GRCh38, chr3:50,365,187, plus strand): 5'-CTTCTCGGCCACCACAAAGAGAAGATTGGTGTTGGTCAGTCTCTGCGCGTGGAACAGCCT[G>A]CGGGCAGCCCGGAAAGGCGGGGCGTTGAGTTTGCCCCGCCCTGACCCACCCCCATCCTGC-3'